The following is an entry in ClinVar:

ClinVar aggregate classification (germline): Benign/Likely benign. Review status: criteria provided, multiple submitters, no conflicts (2 of 4 stars). 4 submissions from 4 submitters: Benign (1); Likely benign (3). Last evaluated 2026-07-13.

Conditions:
Rhabdoid tumor predisposition syndrome 2 (RTPS2). Identifiers: Orphanet 231108, Orphanet 69077, MedGen C2750074, MONDO:0013224, OMIM 613325.
Hereditary cancer-predisposing syndrome. Also called: Hereditary Cancer Syndrome; Hereditary neoplastic syndrome; Neoplastic Syndromes, Hereditary; Tumor predisposition. Identifiers: Orphanet 140162, MedGen C0027672, MeSH D009386, MONDO:0015356.

Allele frequency attached by ClinVar (database versions not stated): gnomAD exomes 0.00001 and below 0.00001; ExAC 0.00001.
gnomAD v4.1: 7 of 1,614,164 alleles (0.00043%); highest among the groups gnomAD compares: East Asian, 0.011%; no homozygotes.

Submissions (4):

Myriad Genetics, Inc.
Classification: Benign for Rhabdoid tumor predisposition syndrome 2. Last evaluated: 2026-07-13. Review status: criteria provided, single submitter. Criteria: Myriad Autosomal Dominant, Autosomal Recessive and X-Linked Classification Criteria (2023). Collection method: clinical testing. Allele origin: unknown.
Comment: This variant is considered benign. This variant is a silent/synonymous amino acid change and it is not expected to impact splicing.

Labcorp Genetics (formerly Invitae), Labcorp
Classification: Likely benign for Rhabdoid tumor predisposition syndrome 2. Last evaluated: 2026-01-12. Review status: criteria provided, single submitter. Criteria: Invitae Variant Classification Sherloc (09022015). Collection method: clinical testing. Allele origin: germline.

Genetic Services Laboratory, University of Chicago
Classification: Likely benign. Last evaluated: 2017-01-29. Review status: criteria provided, single submitter. Criteria: ACMG Guidelines, 2015. Collection method: clinical testing. Allele origin: germline. Affected: no.

Ambry Genetics
Classification: Likely benign for Hereditary cancer-predisposing syndrome. Last evaluated: 2016-08-24. Review status: criteria provided, single submitter. Criteria: Ambry Variant Classification Scheme 2023. Collection method: clinical testing. Allele origin: germline.

NM_003072.5(SMARCA4):c.2418C>T (p.Phe806=)

Gene: SMARCA4 (SWI/SNF related BAF chromatin remodeling complex subunit ATPase 4; plus strand). Cytogenetic location: 19p13.2.
Variant type: single nucleotide variant.
Coding change: c.2418C>T on transcript NM_003072.5 (MANE Select); coding-DNA position 2418, C replaced by T.
Protein change: p.Phe806=; no amino-acid change (phenylalanine 806 retained).
Molecular consequence: synonymous variant. On other transcripts: non-coding transcript variant (1).
Genome position (GRCh38, 1-based): chr19:11,013,092, C>T. VCF-style: chr19-11013092-C-T. GRCh37 (hg19) VCF-style: chr19-11123768-C-T.
Other names: c.2418C>T, p.Phe806= (NM_001128844.3, NM_001128845.2, NM_001128846.2 and 5 more transcripts).
Identifiers: ClinVar variation 415045 (VCV000415045.23), dbSNP rs770432256, ClinGen allele CA9204098.